The following is an entry in ClinVar:

ClinVar aggregate classification (germline): Likely benign. Review status: criteria provided, multiple submitters, no conflicts (2 of 4 stars). 2 submissions from 2 submitters: Likely benign (2). Last evaluated 2025-12-19.

Conditions:
Glycogen storage disease due to muscle and heart glycogen synthase deficiency. Also called: MUSCLE GLYCOGEN SYNTHASE DEFICIENCY; GSD 0b. Identifiers: Orphanet 137625, MedGen C1969054, MONDO:0012693, OMIM 611556.

Allele frequency attached by ClinVar (database versions not stated): gnomAD exomes 0.00005; gnomAD 0.00006; TOPMed 0.00006; ExAC 0.00009.
gnomAD v4.1: 83 of 1,614,102 alleles (0.0051%); highest among the groups gnomAD compares: Middle Eastern, 0.016%; no homozygotes.

Submissions (2):

Labcorp Genetics (formerly Invitae), Labcorp
Classification: Likely benign for Glycogen storage disease due to muscle and heart glycogen synthase deficiency. Last evaluated: 2025-12-19. Review status: criteria provided, single submitter. Criteria: Invitae Variant Classification Sherloc (09022015). Collection method: clinical testing. Allele origin: germline.

CeGaT Center for Human Genetics Tuebingen
Classification: Likely benign. Last evaluated: 2023-08-01. Review status: criteria provided, single submitter. Criteria: CeGaT Center For Human Genetics Tuebingen Variant Classification Criteria Version 2. Collection method: clinical testing. Allele origin: germline. Affected: yes. Observed: 1 variant allele.
Comment: GYS1: BP4, BP7

NM_002103.5(GYS1):c.177C>T (p.Gly59=)

Gene: GYS1 (glycogen synthase 1; minus strand). Cytogenetic location: 19q13.33.
Variant type: single nucleotide variant.
Coding change: c.177C>T on transcript NM_002103.5 (MANE Select); coding-DNA position 177, C replaced by T.
Protein change: p.Gly59=; no amino-acid change (glycine 59 retained).
Molecular consequence: synonymous variant.
Genome position (GRCh38, 1-based): chr19:48,991,425, G>A on the plus strand (C>T on the coding strand, the complement: GYS1 is on the minus strand). VCF-style: chr19-48991425-G-A. GRCh37 (hg19) VCF-style: chr19-49494682-G-A.
Other names: c.177C>T, p.Gly59= (NM_001161587.2).
Identifiers: ClinVar variation 788377 (VCV000788377.32), dbSNP rs779646777, ClinGen allele CA9563427.